The following is an entry in ClinVar:

ClinVar aggregate classification (germline): Uncertain significance. Review status: criteria provided, multiple submitters, no conflicts (2 of 4 stars). 2 submissions from 2 submitters: Uncertain significance (2). Last evaluated 2022-11-22.

Conditions:
Retinitis pigmentosa (RP). Identifiers: Orphanet 791, MedGen C0035334, MeSH D012174, MONDO:0019200, OMIM 268000. Inheritance: Autosomal dominant, autosomal recessive and X linked inheritance.

Allele frequency attached by ClinVar (database versions not stated): TOPMed below 0.00001.
gnomAD v4.1: 1 of 1,614,040 alleles (0.000062%); no homozygotes.

Submissions (2):

Labcorp Genetics (formerly Invitae), Labcorp
Classification: Uncertain significance. Last evaluated: 2022-11-22. Review status: criteria provided, single submitter. Criteria: Invitae Variant Classification Sherloc (09022015). Collection method: clinical testing. Allele origin: germline.
Comment: ClinVar contains an entry for this variant (Variation ID: 897907). In summary, the available evidence is currently insufficient to determine the role of this variant in disease. Therefore, it has been classified as a Variant of Uncertain Significance. Advanced modeling of protein sequence and biophysical properties (such as structural, functional, and spatial information, amino acid conservation, physicochemical variation, residue mobility, and thermodynamic stability) performed at Invitae indicates that this missense variant is expected to disrupt SNRNP200 protein function. This variant has not been reported in the literature in individuals affected with SNRNP200-related conditions. This variant is not present in population databases (gnomAD no frequency). This sequence change replaces cysteine, which is neutral and slightly polar, with arginine, which is basic and polar, at codon 1702 of the SNRNP200 protein (p.Cys1702Arg).

Illumina Laboratory Services, Illumina
Classification: Uncertain significance for Retinitis pigmentosa. Last evaluated: 2018-01-13. Review status: criteria provided, single submitter. Criteria: ICSL Variant Classification Criteria 13 December 2019. Collection method: clinical testing. Allele origin: germline.

NM_014014.5(SNRNP200):c.5104T>C (p.Cys1702Arg)

Genes: SNRNP200 (small nuclear ribonucleoprotein U5 subunit 200; minus strand), LOC126806272 (BRD4-independent group 4 enhancer GRCh37_chr2:96944520-96945719; plus strand). Cytogenetic location: 2q11.2.
Variant type: single nucleotide variant.
Coding change: c.5104T>C on transcript NM_014014.5 (MANE Select); coding-DNA position 5104, T replaced by C.
Protein change: p.Cys1702Arg; replaces cysteine 1702 with arginine.
Molecular consequence: missense variant.
Genome position (GRCh38, 1-based): chr2:96,279,480, A>G on the plus strand (T>C on the coding strand, the complement: SNRNP200 is on the minus strand). VCF-style: chr2-96279480-A-G. GRCh37 (hg19) VCF-style: chr2-96945218-A-G.
Other names: short protein forms C1702R.
Identifiers: ClinVar variation 897907 (VCV000897907.11), dbSNP rs1412783475, ClinGen allele CA347660866.